The following is an entry in ClinVar:

ClinVar aggregate classification (germline): Uncertain significance. Review status: criteria provided, multiple submitters, no conflicts (2 of 4 stars). 3 submissions from 3 submitters: Uncertain significance (2). 1 of the submissions does not count toward it. Last evaluated 2024-08-19.

Conditions:
Melorheostosis (MEL). Also called: MELORHEOSTOSIS, ISOLATED. Identifiers: Orphanet 2485, MedGen C3149631, MONDO:0007970, OMIM 155950, HP:6000817.
Cardiofaciocutaneous syndrome 3 (CFC3). Also called: MAP2K1-Related Cardiofaciocutaneous Syndrome. Identifiers: Orphanet 1340, MedGen C3809006, MONDO:0014113, OMIM 615279.
RASopathy. Also called: Noonan spectrum disorder; rasopathies. Identifiers: Orphanet 536391, MedGen C5555857, MONDO:0021060.

Allele frequency attached by ClinVar (database versions not stated): gnomAD exomes below 0.00001; gnomAD 0.00001; TOPMed 0.00001; 1000 Genomes Project 30x 0.00016; 1000 Genomes Project 0.00020.

Submissions (3):

Labcorp Genetics (formerly Invitae), Labcorp
Classification: Uncertain significance for RASopathy. Last evaluated: 2024-08-19. Review status: criteria provided, single submitter. Criteria: Invitae Variant Classification Sherloc (09022015). Collection method: clinical testing. Allele origin: germline.
Comment: This sequence change replaces methionine, which is neutral and non-polar, with valine, which is neutral and non-polar, at codon 143 of the MAP2K1 protein (p.Met143Val). This variant is not present in population databases (gnomAD no frequency). This missense change has been observed in individual(s) with clinical features of MAP2K1-related conditions (PMID: 34006472, 34589056). ClinVar contains an entry for this variant (Variation ID: 998038). Invitae Evidence Modeling of protein sequence and biophysical properties (such as structural, functional, and spatial information, amino acid conservation, physicochemical variation, residue mobility, and thermodynamic stability) indicates that this missense variant is expected to disrupt MAP2K1 protein function with a positive predictive value of 80%. In summary, the available evidence is currently insufficient to determine the role of this variant in disease. Therefore, it has been classified as a Variant of Uncertain Significance.

Fulgent Genetics
Classification: Uncertain significance for Melorheostosis; Cardiofaciocutaneous syndrome 3. Last evaluated: 2024-04-25. Review status: criteria provided, single submitter. Criteria: ACMG Guidelines, 2015. Collection method: clinical testing. Allele origin: germline.

Beijing Key Laboratory for Genetic Research of Skeletal Deformity, Peking Union Medical College Hospital
Classification: Likely pathogenic for Cardiofaciocutaneous syndrome 3. Last evaluated: 2019-05-31. Review status: no assertion criteria provided. Collection method: research. Allele origin: maternal. Affected: yes. Not counted in ClinVar's aggregate classification.

Literature cited by the submitters: PubMed 34006472 (cited by Labcorp Genetics (formerly Invitae), Labcorp); PubMed 34589056 (cited by Labcorp Genetics (formerly Invitae), Labcorp).

NM_002755.4(MAP2K1):c.427A>G (p.Met143Val)

Gene: MAP2K1 (mitogen-activated protein kinase kinase 1; plus strand). Cytogenetic location: 15q22.31.
Variant type: single nucleotide variant.
Coding change: c.427A>G on transcript NM_002755.4 (MANE Select); coding-DNA position 427, A replaced by G.
Protein change: p.Met143Val; replaces methionine 143 with valine.
Molecular consequence: missense variant.
Genome position (GRCh38, 1-based): chr15:66,436,881, A>G. VCF-style: chr15-66436881-A-G. GRCh37 (hg19) VCF-style: chr15-66729219-A-G.
Other names: short protein forms M143V.
Identifiers: ClinVar variation 998038 (VCV000998038.7), dbSNP rs533695080, ClinGen allele CA271642388.